The following is an entry in ClinVar:

ClinVar aggregate classification (germline): Uncertain significance (1 of 4 stars; one submission).

Conditions:
Hereditary cancer-predisposing syndrome. Also called: Hereditary Cancer Syndrome; Tumor predisposition; Hereditary neoplastic syndrome; Neoplastic Syndromes, Hereditary. Identifiers: Orphanet 140162, MedGen C0027672, MeSH D009386, MONDO:0015356.

Submission:

Ambry Genetics
Classification: Uncertain significance for Hereditary cancer-predisposing syndrome. Last evaluated: 2024-12-08. Review status: criteria provided, single submitter. Criteria: Ambry Variant Classification Scheme 2023. Collection method: clinical testing. Allele origin: germline.
Comment: The p.V562E variant (also known as c.1685T>A), located in coding exon 11 of the NBN gene, results from a T to A substitution at nucleotide position 1685. The valine at codon 562 is replaced by glutamic acid, an amino acid with dissimilar properties. This amino acid position is conserved. In addition, this alteration is predicted to be tolerated by in silico analysis. Based on the available evidence, the clinical significance of this variant remains unclear.

NM_002485.5(NBN):c.1685T>A (p.Val562Glu)

Gene: NBN (nibrin; minus strand). Cytogenetic location: 8q21.3.
Variant type: single nucleotide variant.
Coding change: c.1685T>A on transcript NM_002485.5 (MANE Select); coding-DNA position 1685, T replaced by A.
Protein change: p.Val562Glu; replaces valine 562 with glutamic acid.
Molecular consequence: missense variant.
Genome position (GRCh38, 1-based): chr8:89,953,404, A>T on the plus strand (T>A on the coding strand, the complement: NBN is on the minus strand). VCF-style: chr8-89953404-A-T. GRCh37 (hg19) VCF-style: chr8-90965632-A-T.
Other names: c.1439T>A, p.Val480Glu (NM_001024688.3); short protein forms V480E, V562E.
Identifiers: ClinVar variation 3403086 (VCV003403086.1).
Genomic context (GRCh38, chr8:89,953,404, plus strand): 5'-TTTTGAACTTTCACATCAATTTCTAACTCTGGTTTTGTGTCCTTGAATAACTGTTCCAAT[A>T]CTTCATCTTCTATGGCCACATCATCCATTTCCCTTTTTTTATTTGATCTTAGCTTTTCTG-3'
Protein context (NP_002476.2, residues 552-572): EMDDVAIEDE[Val562Glu]LEQLFKDTKP